The following is an entry in ClinVar:

NM_000064.4(C3):c.742G>A (p.Glu248Lys)

Gene: C3 (complement C3; minus strand). Cytogenetic location: 19p13.3.
Variant type: single nucleotide variant.
Coding change: c.742G>A on transcript NM_000064.4 (MANE Select); coding-DNA position 742, G replaced by A.
Protein change: p.Glu248Lys; replaces glutamic acid 248 with lysine.
Molecular consequence: missense variant.
Genome position (GRCh38, 1-based): chr19:6,714,023, C>T on the plus strand (G>A on the coding strand, the complement: C3 is on the minus strand). VCF-style: chr19-6714023-C-T. GRCh37 (hg19) VCF-style: chr19-6714034-C-T.
Other names: short protein forms E248K.
Identifiers: ClinVar variation 4696286 (VCV004696286.1).

ClinVar aggregate classification (germline): Uncertain significance (1 of 4 stars; one submission).

Submission:

Labcorp Genetics (formerly Invitae), Labcorp
Classification: Uncertain significance. Last evaluated: 2025-10-29. Review status: criteria provided, single submitter. Criteria: Invitae Variant Classification Sherloc (09022015). Collection method: clinical testing. Allele origin: germline.
Comment: This sequence change replaces glutamic acid, which is acidic and polar, with lysine, which is basic and polar, at codon 248 of the C3 protein (p.Glu248Lys). This variant is present in population databases (rs773319018, gnomAD 0.01%). This variant has not been reported in the literature in individuals affected with C3-related conditions. Invitae Evidence Modeling of protein sequence and biophysical properties (such as structural, functional, and spatial information, amino acid conservation, physicochemical variation, residue mobility, and thermodynamic stability) indicates that this missense variant is not expected to disrupt C3 protein function with a negative predictive value of 80%. In summary, the available evidence is currently insufficient to determine the role of this variant in disease. Therefore, it has been classified as a Variant of Uncertain Significance.